The following is an entry in ClinVar:

NM_001039213.4(CEACAM16):c.765G>C (p.Arg255Ser)

Genes: CEACAM16 (CEA cell adhesion molecule 16, tectorial membrane component; plus strand), CEACAM16-AS1 (CEACAM16, CEACAM19 and PVR antisense RNA 1; minus strand). Cytogenetic location: 19q13.32.
Variant type: single nucleotide variant.
Coding change: c.765G>C on transcript NM_001039213.4 (MANE Select); coding-DNA position 765, G replaced by C.
Protein change: p.Arg255Ser; replaces arginine 255 with serine.
Molecular consequence: missense variant.
Genome position (GRCh38, 1-based): chr19:44,705,693, G>C. VCF-style: chr19-44705693-G-C. GRCh37 (hg19) VCF-style: chr19-45208963-G-C.
Other names: short protein forms R255S.
Identifiers: ClinVar variation 5001561 (VCV005001561.1).

ClinVar aggregate classification (germline): Uncertain significance (1 of 4 stars; one submission).

Conditions:
CEACAM16-related disorder. Also called: CEACAM16-related condition.

Submission:

PreventionGenetics, part of Exact Sciences
Classification: Uncertain significance for CEACAM16-related condition. Last evaluated: 2025-01-02. Review status: criteria provided, single submitter. Criteria: ACMG Guidelines, 2015. Collection method: clinical testing. Allele origin: germline.
Comment: The CEACAM16 c.765G>C variant is predicted to result in the amino acid substitution p.Arg255Ser. To our knowledge, this variant has not been reported in the literature or in a large population database (gnomAD), indicating this variant is rare. At this time, the clinical significance of this variant is uncertain due to the absence of conclusive functional and genetic evidence.